The following is an entry in ClinVar:

NM_013247.5(HTRA2):c.726G>T (p.Thr242=)

Genes: HTRA2 (HtrA serine peptidase 2; plus strand), LOC129934143 (ATAC-STARR-seq lymphoblastoid active region 16075; plus strand). Cytogenetic location: 2p13.1.
Variant type: single nucleotide variant.
Coding change: c.726G>T on transcript NM_013247.5 (MANE Select); coding-DNA position 726, G replaced by T.
Protein change: p.Thr242=; no amino-acid change (threonine 242 retained).
Molecular consequence: synonymous variant. On other transcripts: non-coding transcript variant (4), intron variant (1).
Genome position (GRCh38, 1-based): chr2:74,530,925, G>T. VCF-style: chr2-74530925-G-T. GRCh37 (hg19) VCF-style: chr2-74758052-G-T.
Other names: c.726G>T, p.Thr242= (NM_001321727.1, NM_001321728.1); c.711+104G>T (NM_145074.2).
Identifiers: ClinVar variation 1582520 (VCV001582520.19), dbSNP rs369105449, ClinGen allele CA1728433.

ClinVar aggregate classification (germline): Likely benign. Review status: criteria provided, multiple submitters, no conflicts (2 of 4 stars). 3 submissions from 3 submitters: Likely benign (3). Last evaluated 2025-06-01.

Allele frequency attached by ClinVar (database versions not stated): ESP Exome Variant Server 0.00008.

Submissions (3):

CeGaT Center for Human Genetics Tuebingen
Classification: Likely benign. Last evaluated: 2025-06-01. Review status: criteria provided, single submitter. Criteria: CeGaT Center For Human Genetics Tuebingen Variant Classification Criteria Version 2. Collection method: clinical testing. Allele origin: germline. Affected: yes. Observed: 1 variant allele.
Comment: HTRA2: BP4, BP7

Labcorp Genetics (formerly Invitae), Labcorp
Classification: Likely benign. Last evaluated: 2024-11-19. Review status: criteria provided, single submitter. Criteria: Invitae Variant Classification Sherloc (09022015). Collection method: clinical testing. Allele origin: germline.

Blueprint Genetics
Classification: Likely benign. Last evaluated: 2024-03-20. Review status: criteria provided, single submitter. Criteria: ACMG Guidelines, 2015. Collection method: clinical testing. Allele origin: germline.